The following is an entry in ClinVar:

NM_024642.5(GALNT12):c.24G>C (p.Arg8=)

Gene: GALNT12 (polypeptide N-acetylgalactosaminyltransferase 12; plus strand). Cytogenetic location: 9q22.33.
Variant type: single nucleotide variant.
Coding change: c.24G>C on transcript NM_024642.5 (MANE Select); coding-DNA position 24, G replaced by C.
Protein change: p.Arg8=; no amino-acid change (arginine 8 retained).
Molecular consequence: synonymous variant.
Genome position (GRCh38, 1-based): chr9:98,807,722, G>C. VCF-style: chr9-98807722-G-C. GRCh37 (hg19) VCF-style: chr9-101570004-G-C.
Identifiers: ClinVar variation 4876089 (VCV004876089.1).

ClinVar aggregate classification (germline): Benign (1 of 4 stars; one submission).

Conditions:
Colorectal cancer, susceptibility to, 1. Also called: COLORECTAL ADENOMA AND CANCER, SUSCEPTIBILITY TO; COLORECTAL CANCER, SUSCEPTIBILITY TO, ON CHROMOSOME 9. Identifiers: MedGen C1837315, MONDO:0012132, OMIM 608812.

Submission:

Myriad Genetics, Inc.
Classification: Benign for Colorectal cancer, susceptibility to, 1. Last evaluated: 2026-04-22. Review status: criteria provided, single submitter. Criteria: Myriad Autosomal Dominant, Autosomal Recessive and X-Linked Classification Criteria (2023). Collection method: clinical testing. Allele origin: unknown.
Comment: This variant is considered benign. This variant is a silent/synonymous amino acid change and it is not expected to impact splicing.